The following is an entry in ClinVar:

ClinVar aggregate classification (germline): Uncertain significance. Review status: criteria provided, multiple submitters, no conflicts (2 of 4 stars). 4 submissions from 4 submitters: Uncertain significance (4). Last evaluated 2025-09-26.

Conditions:
Atypical hemolytic-uremic syndrome with I factor anomaly. Also called: HEMOLYTIC UREMIC SYNDROME, ATYPICAL, SUSCEPTIBILITY TO, 3; AHUS, SUSCEPTIBILITY TO, 3. Identifiers: Orphanet 2134, MedGen C2752039, MONDO:0013041, OMIM 612923.
CFI-related disorder. Also called: CFI-related condition; CFI-related disorders. Identifiers: MedGen CN239325.

Allele frequency attached by ClinVar (database versions not stated): gnomAD exomes below 0.00001 and 0.00002; ExAC 0.00001; gnomAD 0.00001; TOPMed 0.00001.

Submissions (4):

Genomenon, Inc
Classification: Uncertain significance for CFI-related disorder. Last evaluated: 2025-09-26. Review status: criteria provided, single submitter. Criteria: Genomenon Sequence Variant Interpretation Standards - Updated. Collection method: curation. Allele origin: germline. Affected: yes.
Comment: CFI p.Gly261Ser (c.781G>A) is a missense variant that changes the amino acid at residue 261 from Glycine to Serine. This variant has been observed in at least one proband affected with a CFI-related disorder (PMID:32510551). Functional studies have been reported; however, the significance of the findings remain unclear (PMID:32510551). The variant is located in a mutational hotspot. It is absent or not present at a significant frequency in gnomAD. In silico models agree that this variant is not damaging. In conclusion, we classify CFI p.Gly261Ser (c.781G>A) as a variant of unknown significance.

Labcorp Genetics (formerly Invitae), Labcorp
Classification: Uncertain significance. Last evaluated: 2025-08-11. Review status: criteria provided, single submitter. Criteria: Invitae Variant Classification Sherloc (09022015). Collection method: clinical testing. Allele origin: germline.
Comment: This sequence change replaces glycine, which is neutral and non-polar, with serine, which is neutral and polar, at codon 261 of the CFI protein (p.Gly261Ser). This variant is present in population databases (rs547901965, gnomAD 0.0009%). This missense change has been observed in individual(s) with clinical features of CFI-related conditions (PMID: 29888403). ClinVar contains an entry for this variant (Variation ID: 902336). Invitae Evidence Modeling of protein sequence and biophysical properties (such as structural, functional, and spatial information, amino acid conservation, physicochemical variation, residue mobility, and thermodynamic stability) indicates that this missense variant is not expected to disrupt CFI protein function with a negative predictive value of 80%. Experimental studies have shown that this missense change does not substantially affect CFI function (PMID: 32510551). In summary, the available evidence is currently insufficient to determine the role of this variant in disease. Therefore, it has been classified as a Variant of Uncertain Significance.

PreventionGenetics, part of Exact Sciences
Classification: Uncertain significance for CFI-related condition. Last evaluated: 2022-12-01. Review status: criteria provided, single submitter. Criteria: ACMG Guidelines, 2015. Collection method: clinical testing. Allele origin: germline.
Comment: The CFI c.781G>A variant is predicted to result in the amino acid substitution p.Gly261Ser. This variant was reported in an individual with both atypical hemolytic uremic syndrome and C3 glomerulopathy (Supplemental Table S3, CFI tab, Geerlings et al. 2018. PubMed ID: 29888403). Functional studies showed that this variant lead to FI expression similar to that of wildtype in the supernatant (99%) and in the lysate (90.5%) (Supplemental Table 1, de Jong et al. 2020. PubMed ID: 32510551). This variant is reported in 0.00088% of alleles in individuals of European (Non-Finnish) descent in gnomAD. At this time, the clinical significance of this variant is uncertain due to the absence of conclusive functional and genetic evidence.

Illumina Laboratory Services, Illumina
Classification: Uncertain significance for Atypical hemolytic-uremic syndrome with I factor anomaly. Last evaluated: 2018-01-12. Review status: criteria provided, single submitter. Criteria: ICSL Variant Classification Criteria 13 December 2019. Collection method: clinical testing. Allele origin: germline.

Literature cited by the submitters: PubMed 32510551 (cited by Genomenon, Inc and Labcorp Genetics (formerly Invitae), Labcorp); PubMed 29888403 (cited by Labcorp Genetics (formerly Invitae), Labcorp).

NM_000204.5(CFI):c.781G>A (p.Gly261Ser)

Gene: CFI (complement factor I; minus strand). Cytogenetic location: 4q25.
Variant type: single nucleotide variant.
Coding change: c.781G>A on transcript NM_000204.5 (MANE Select); coding-DNA position 781, G replaced by A.
Protein change: p.Gly261Ser; replaces glycine 261 with serine.
Molecular consequence: missense variant. On other transcripts: non-coding transcript variant (3).
Genome position (GRCh38, 1-based): chr4:109,760,372, C>T on the plus strand (G>A on the coding strand, the complement: CFI is on the minus strand). VCF-style: chr4-109760372-C-T. GRCh37 (hg19) VCF-style: chr4-110681528-C-T.
Other names: c.781G>A, p.Gly261Ser (NM_001318057.2, NM_001331035.2, NM_001375278.1 and 5 more transcripts); c.172G>A, p.Gly58Ser (NM_001375284.1); c.781G>A (NM_000204.4); short protein forms G58S, G261S.
Identifiers: ClinVar variation 902336 (VCV000902336.9), dbSNP rs547901965, ClinGen allele CA3042165.